The following is an entry in ClinVar:

NM_002755.4(MAP2K1):c.37C>T (p.Pro13Ser)

Gene: MAP2K1 (mitogen-activated protein kinase kinase 1; plus strand). Cytogenetic location: 15q22.31.
Variant type: single nucleotide variant.
Coding change: c.37C>T on transcript NM_002755.4 (MANE Select); coding-DNA position 37, C replaced by T.
Protein change: p.Pro13Ser; replaces proline 13 with serine.
Molecular consequence: missense variant.
Genome position (GRCh38, 1-based): chr15:66,387,384, C>T. VCF-style: chr15-66387384-C-T. GRCh37 (hg19) VCF-style: chr15-66679722-C-T.
Other names: short protein forms P13S.
Identifiers: ClinVar variation 2444653 (VCV002444653.3), dbSNP rs2545000729, ClinGen allele CA392931578.

ClinVar aggregate classification (germline): Uncertain significance. Review status: criteria provided, multiple submitters, no conflicts (2 of 4 stars). 2 submissions from 2 submitters: Uncertain significance (2). Last evaluated 2024-07-11.

Conditions:
RASopathy. Also called: Noonan spectrum disorder; rasopathies. Identifiers: Orphanet 536391, MedGen C5555857, MONDO:0021060.

Submissions (2):

Labcorp Genetics (formerly Invitae), Labcorp
Classification: Uncertain significance for RASopathy. Last evaluated: 2024-07-11. Review status: criteria provided, single submitter. Criteria: Invitae Variant Classification Sherloc (09022015). Collection method: clinical testing. Allele origin: germline.
Comment: This sequence change replaces proline, which is neutral and non-polar, with serine, which is neutral and polar, at codon 13 of the MAP2K1 protein (p.Pro13Ser). This variant is not present in population databases (gnomAD no frequency). This variant has not been reported in the literature in individuals affected with MAP2K1-related conditions. ClinVar contains an entry for this variant (Variation ID: 2444653). An algorithm developed to predict the effect of missense changes on protein structure and function (PolyPhen-2) suggests that this variant is likely to be tolerated. In summary, the available evidence is currently insufficient to determine the role of this variant in disease. Therefore, it has been classified as a Variant of Uncertain Significance.

GeneDx
Classification: Uncertain significance. Last evaluated: 2022-09-20. Review status: criteria provided, single submitter. Criteria: GeneDx Variant Classification Process June 2021. Collection method: clinical testing. Allele origin: germline. Affected: yes.
Comment: Not observed at significant frequency in large population cohorts (gnomAD); Missense variants in this gene are often considered pathogenic (HGMD); In silico analysis supports that this missense variant does not alter protein structure/function; Has not been previously published as pathogenic or benign to our knowledge; This variant is associated with the following publications: (PMID: 29493581)